The following is an entry in ClinVar:

ClinVar aggregate classification (germline): Uncertain significance (1 of 4 stars; one submission).

Conditions:
Common variable immunodeficiency (CVID). Also called: Common variable hypogamma-globulinemia; Common variable agammaglobulinemia. Identifiers: Orphanet 1572, MedGen C0009447, MONDO:0015517.

Submission:

Labcorp Genetics (formerly Invitae), Labcorp
Classification: Uncertain significance for Common variable immunodeficiency. Last evaluated: 2025-09-02. Review status: criteria provided, single submitter. Criteria: Invitae Variant Classification Sherloc (09022015). Collection method: clinical testing. Allele origin: germline.
Comment: This sequence change replaces glycine, which is neutral and non-polar, with arginine, which is basic and polar, at codon 244 of the TNFSF12 protein (p.Gly244Arg). This variant is not present in population databases (gnomAD no frequency). This variant has not been reported in the literature in individuals affected with TNFSF12-related conditions. ClinVar contains an entry for this variant (Variation ID: 2754392). An algorithm developed to predict the effect of missense changes on protein structure and function (PolyPhen-2) suggests that this variant is likely to be disruptive. In summary, the available evidence is currently insufficient to determine the role of this variant in disease. Therefore, it has been classified as a Variant of Uncertain Significance.

NM_003809.3(TNFSF12):c.730G>A (p.Gly244Arg)

Genes: TNFSF12 (TNF superfamily member 12; plus strand), TNFSF12-TNFSF13 (TNFSF12-TNFSF13 readthrough; plus strand). Cytogenetic location: 17p13.1.
Variant type: single nucleotide variant.
Coding change: c.730G>A on transcript NM_003809.3 (MANE Select); coding-DNA position 730, G replaced by A.
Protein change: p.Gly244Arg; replaces glycine 244 with arginine.
Molecular consequence: missense variant. On other transcripts: non-coding transcript variant (1), intron variant (1).
Genome position (GRCh38, 1-based): chr17:7,557,330, G>A. VCF-style: chr17-7557330-G-A. GRCh37 (hg19) VCF-style: chr17-7460647-G-A.
Other names: c.498+428G>A (NM_172089.4); short protein forms G244R.
Identifiers: ClinVar variation 2754392 (VCV002754392.3), dbSNP rs1171699933, ClinGen allele CA397865012.